The following is an entry in ClinVar:

ClinVar aggregate classification (germline): Conflicting classifications of pathogenicity. Review status: criteria provided, conflicting classifications (1 of 4 stars). 5 submissions from 4 submitters: Uncertain significance (2); Likely benign (2). 1 of the submissions does not count toward it. Last evaluated 2024-03-13.

Conditions:
Maturity-onset diabetes of the young (MODY). Also called: Maturity onset diabetes mellitus in young. Identifiers: Orphanet 552, MedGen C0342276, MONDO:0018911, HP:0004904.
Transitory neonatal diabetes mellitus. Also called: Transient neonatal diabetes mellitus. Identifiers: MedGen C0342273, MONDO:0020525, HP:0008255.
Hereditary hyperinsulinism.
Inborn genetic diseases. Identifiers: MedGen C0950123, MeSH D030342.

Allele frequency attached by ClinVar (database versions not stated): gnomAD 0.00002; TOPMed 0.00002; gnomAD exomes 0.00003 and 0.00006; ExAC 0.00011.
gnomAD v4.1: 47 of 1,614,102 alleles (0.0029%); highest among the groups gnomAD compares: East Asian, 0.016%; no homozygotes.

Submissions (5):

Ambry Genetics
Classification: Likely benign for Inborn genetic diseases. Last evaluated: 2024-03-13. Review status: criteria provided, single submitter. Criteria: Ambry Variant Classification Scheme 2023. Collection method: clinical testing. Allele origin: germline.

Labcorp Genetics (formerly Invitae), Labcorp
Classification: Likely benign. Last evaluated: 2024-02-09. Review status: criteria provided, single submitter. Criteria: Invitae Variant Classification Sherloc (09022015). Collection method: clinical testing. Allele origin: germline.

Clinical Genomics, Uppaluri K&H Personalized Medicine Clinic
Classification: Uncertain significance for Maturity-onset diabetes of the young. Review status: criteria provided, single submitter. Criteria: K & H Uppaluri Personalized Medicine Clinic Variant Classification & Assertion Criteria_Updated V.1. Collection method: research. Allele origin: somatic. Inheritance: Somatic mutation.
Comment: Mutations in ABCC8 gene are associated with both neonatal diabetes mellitus as well as MODY. Patients with this mutation may have a better response to sulfonylureas. However, no sufficient evidence is found to ascertain the role of this particular variant ( rs773042150 ) in MODY yet.

Clinical Genomics, Uppaluri K&H Personalized Medicine Clinic
Classification: Uncertain significance for Transitory neonatal diabetes mellitus. Review status: criteria provided, single submitter. Criteria: K & H Uppaluri Personalized Medicine Clinic Variant Classification & Assertion Criteria_Updated V.1. Collection method: research. Allele origin: somatic. Inheritance: Somatic mutation.
Comment: Mutations in ABCC8 gene are associated with both neonatal diabetes mellitus as well as MODY. Patients with this mutation may have a better response to sulfonylureas. However, no sufficient evidence is found to ascertain the role of this particular variant ( rs773042150) in neonatal diabetes yet.

Natera, Inc.
Classification: Uncertain significance for Hereditary hyperinsulinism. Last evaluated: 2020-04-10. Review status: no assertion criteria provided. Collection method: clinical testing. Allele origin: germline. Not counted in ClinVar's aggregate classification.

Literature cited by the submitters: PubMed 16885549 (cited by Clinical Genomics, Uppaluri K&H Personalized Medicine Clinic); PubMed 21989597 (cited by Clinical Genomics, Uppaluri K&H Personalized Medicine Clinic); PubMed 27538677 (cited by Clinical Genomics, Uppaluri K&H Personalized Medicine Clinic); PubMed 18981553 (cited by Clinical Genomics, Uppaluri K&H Personalized Medicine Clinic); PubMed 32027066 (cited by Clinical Genomics, Uppaluri K&H Personalized Medicine Clinic); PubMed 16613899 (cited by Clinical Genomics, Uppaluri K&H Personalized Medicine Clinic); PubMed 18025408 (cited by Clinical Genomics, Uppaluri K&H Personalized Medicine Clinic); PubMed 32792356 (cited by Clinical Genomics, Uppaluri K&H Personalized Medicine Clinic).

NM_000352.6(ABCC8):c.4581C>T (p.Phe1527=)

Gene: ABCC8 (ATP binding cassette subfamily C member 8; minus strand). Cytogenetic location: 11p15.1.
Variant type: single nucleotide variant.
Coding change: c.4581C>T on transcript NM_000352.6 (MANE Select); coding-DNA position 4581, C replaced by T.
Protein change: p.Phe1527=; no amino-acid change (phenylalanine 1527 retained).
Molecular consequence: synonymous variant. On other transcripts: non-coding transcript variant (1).
Genome position (GRCh38, 1-based): chr11:17,393,724, G>A on the plus strand (C>T on the coding strand, the complement: ABCC8 is on the minus strand). VCF-style: chr11-17393724-G-A. GRCh37 (hg19) VCF-style: chr11-17415271-G-A.
Other names: c.4581C>T (NM_000352.3); c.4584C>T, p.Phe1528= (NM_001287174.3); c.4647C>T, p.Phe1549= (NM_001351295.2); c.4581C>T, p.Phe1527= (NM_001351296.2); c.4578C>T, p.Phe1526= (NM_001351297.2).
Identifiers: ClinVar variation 765572 (VCV000765572.13), dbSNP rs773042150, ClinGen allele CA5902426.